The following is an entry in ClinVar:

ClinVar aggregate classification (germline): Likely benign. Review status: criteria provided, single submitter (1 of 4 stars). 2 submissions from 2 submitters: Likely benign (1). 1 of the submissions does not count toward it. Last evaluated 2025-03-27.

Conditions:
PEX10-related disorder. Also called: PEX10-related condition.
Peroxisome biogenesis disorder, complementation group 7 (CG7). Also called: Peroxisome biogenesis disorder, complementation group B. Identifiers: MedGen C1864399.

Allele frequency attached by ClinVar (database versions not stated): gnomAD exomes below 0.00001; TOPMed 0.00001.
gnomAD v4.1: 1 of 1,612,990 alleles (0.000062%); highest among the groups gnomAD compares: Non-Finnish European, 0.000085%; no homozygotes.

Submissions (2):

Labcorp Genetics (formerly Invitae), Labcorp
Classification: Likely benign for Peroxisome biogenesis disorder, complementation group 7. Last evaluated: 2025-03-27. Review status: criteria provided, single submitter. Criteria: Invitae Variant Classification Sherloc (09022015). Collection method: clinical testing. Allele origin: germline.

PreventionGenetics, part of Exact Sciences
Classification: Likely benign for PEX10-related condition. Last evaluated: 2020-04-03. Review status: no assertion criteria provided. Collection method: clinical testing. Allele origin: germline. Not counted in ClinVar's aggregate classification.
Comment: This variant is classified as likely benign based on ACMG/AMP sequence variant interpretation guidelines (Richards et al. 2015 PMID: 25741868, with internal and published modifications).

NM_002617.4(PEX10):c.561C>T (p.Val187=)

Gene: PEX10 (peroxisomal biogenesis factor 10; minus strand). Cytogenetic location: 1p36.32.
Variant type: single nucleotide variant.
Coding change: c.561C>T on transcript NM_002617.4 (MANE Select); coding-DNA position 561, C replaced by T.
Protein change: p.Val187=; no amino-acid change (valine 187 retained).
Molecular consequence: synonymous variant. On other transcripts: non-coding transcript variant (1).
Genome position (GRCh38, 1-based): chr1:2,408,491, G>A on the plus strand (C>T on the coding strand, the complement: PEX10 is on the minus strand). VCF-style: chr1-2408491-G-A. GRCh37 (hg19) VCF-style: chr1-2339930-G-A.
Other names: c.561C>T, p.Val187= (NM_001374425.1, NM_153818.2); c.129C>T, p.Val43= (NM_001374426.1, NM_001374427.1); c.561C>T (NM_153818.1).
Identifiers: ClinVar variation 1096141 (VCV001096141.9), dbSNP rs944648966, ClinGen allele CA16945791.